The following is an entry in ClinVar:

ClinVar aggregate classification (germline): Uncertain significance (1 of 4 stars; one submission).

Conditions:
Neurofibromatosis, type 1 (NF1). Also called: Neurofibromatosis, type I; Peripheral type neurofibromatosis; VON RECKLINGHAUSEN DISEASE; NEUROFIBROMATOSIS, TYPE I, SOMATIC. Identifiers: Orphanet 636, MedGen C0027831, MONDO:0018975, OMIM 162200. Disease mechanism: loss of function.

Submission:

Labcorp Genetics (formerly Invitae), Labcorp
Classification: Uncertain significance for Neurofibromatosis, type 1. Last evaluated: 2022-07-07. Review status: criteria provided, single submitter. Criteria: Invitae Variant Classification Sherloc (09022015). Collection method: clinical testing. Allele origin: germline.
Comment: This sequence change replaces aspartic acid, which is acidic and polar, with histidine, which is basic and polar, at codon 301 of the NF1 protein (p.Asp301His). This variant is not present in population databases (gnomAD no frequency). This variant has not been reported in the literature in individuals affected with NF1-related conditions. Algorithms developed to predict the effect of missense changes on protein structure and function are either unavailable or do not agree on the potential impact of this missense change (SIFT: "Tolerated"; PolyPhen-2: "Possibly Damaging"; Align-GVGD: "Class C0"). In summary, the available evidence is currently insufficient to determine the role of this variant in disease. Therefore, it has been classified as a Variant of Uncertain Significance.

NM_001042492.3(NF1):c.901G>C (p.Asp301His)

Gene: NF1 (neurofibromin 1; plus strand). Cytogenetic location: 17q11.2.
Variant type: single nucleotide variant.
Coding change: c.901G>C on transcript NM_001042492.3 (MANE Select); coding-DNA position 901, G replaced by C.
Protein change: p.Asp301His; replaces aspartic acid 301 with histidine.
Molecular consequence: missense variant.
Genome position (GRCh38, 1-based): chr17:31,200,434, G>C. VCF-style: chr17-31200434-G-C. GRCh37 (hg19) VCF-style: chr17-29527452-G-C.
Other names: c.901G>C, p.Asp301His (NM_000267.4, NM_001128147.3); short protein forms D301H.
Identifiers: ClinVar variation 2014923 (VCV002014923.4), dbSNP rs2066505718, ClinGen allele CA398995531.